The following is an entry in ClinVar:

NM_002335.4(LRP5):c.1243A>G (p.Ile415Val)

Gene: LRP5 (LDL receptor related protein 5; plus strand). Cytogenetic location: 11q13.2.
Variant type: single nucleotide variant.
Coding change: c.1243A>G on transcript NM_002335.4 (MANE Select); coding-DNA position 1243, A replaced by G.
Protein change: p.Ile415Val; replaces isoleucine 415 with valine.
Molecular consequence: missense variant. On other transcripts: 5 prime UTR variant (1).
Genome position (GRCh38, 1-based): chr11:68,386,543, A>G. VCF-style: chr11-68386543-A-G. GRCh37 (hg19) VCF-style: chr11-68154011-A-G.
Other names: c.-523A>G (NM_001291902.2); short protein forms I415V.
Identifiers: ClinVar variation 1428701 (VCV001428701.6), dbSNP rs2153153214, ClinGen allele CA381612533.

ClinVar aggregate classification (germline): Uncertain significance (1 of 4 stars; one submission).

gnomAD v4.1: 2 of 1,613,874 alleles (0.00012%); highest among the groups gnomAD compares: Non-Finnish European, 0.00017%; no homozygotes.

Submission:

Labcorp Genetics (formerly Invitae), Labcorp
Classification: Uncertain significance. Last evaluated: 2022-09-27. Review status: criteria provided, single submitter. Criteria: Invitae Variant Classification Sherloc (09022015). Collection method: clinical testing. Allele origin: germline.
Comment: In summary, the available evidence is currently insufficient to determine the role of this variant in disease. Therefore, it has been classified as a Variant of Uncertain Significance. This sequence change replaces isoleucine, which is neutral and non-polar, with valine, which is neutral and non-polar, at codon 415 of the LRP5 protein (p.Ile415Val). This variant is not present in population databases (gnomAD no frequency). This variant has not been reported in the literature in individuals affected with LRP5-related conditions. ClinVar contains an entry for this variant (Variation ID: 1428701). Advanced modeling of protein sequence and biophysical properties (such as structural, functional, and spatial information, amino acid conservation, physicochemical variation, residue mobility, and thermodynamic stability) performed at Invitae indicates that this missense variant is not expected to disrupt LRP5 protein function. Algorithms developed to predict the effect of sequence changes on RNA splicing suggest that this variant may create or strengthen a splice site.